The following is an entry in ClinVar:

ClinVar aggregate classification (germline): Likely pathogenic (1 of 4 stars; one submission).

Conditions:
Liddle syndrome 3. Identifiers: MedGen C4748292, MONDO:0029132, OMIM 618126.
Bronchiectasis with or without elevated sweat chloride 2 (BESC2). Identifiers: Orphanet 60033, MedGen C2751666, MONDO:0013087, OMIM 613021.
Pseudohypoaldosteronism, type IB1, autosomal recessive. Also called: Pseudohypoaldosteronism, Type I, Autosomal Recessive; PHA I, AUTOSOMAL RECESSIVE; Autosomal recessive pseudohypoaldosteronism type 1; Pseudohypoaldosteronism, Type I, Recessive. Identifiers: Orphanet 171876, Orphanet 756, MedGen C5774176, MONDO:0009917, OMIM 264350.

Submission:

Juno Genomics, Hangzhou Juno Genomics, Inc
Classification: Likely pathogenic for Pseudohypoaldosteronism, type IB1, autosomal recessive; Liddle syndrome 3; Bronchiectasis with or without elevated sweat chloride 2. Review status: criteria provided, single submitter. Criteria: ACMG Guidelines, 2015. Collection method: clinical testing. Allele origin: germline.
Comment: Null variant in a gene where loss of function (LOF) is a known mechanism of disease.;Absent from controls (or at extremely low frequency if recessive) in Genome Aggregation Database.

NM_001038.6(SCNN1A):c.1360+1G>A

Gene: SCNN1A (sodium channel epithelial 1 subunit alpha; minus strand). Cytogenetic location: 12p13.31.
Variant type: single nucleotide variant.
Coding change: c.1360+1G>A on transcript NM_001038.6 (MANE Select); the canonical splice donor site of the intron after coding-DNA position 1360, G replaced by A.
Molecular consequence: splice donor variant.
Genome position (GRCh38, 1-based): chr12:6,354,437, C>T on the plus strand (G>A on the coding strand, the complement: SCNN1A is on the minus strand). VCF-style: chr12-6354437-C-T. GRCh37 (hg19) VCF-style: chr12-6463603-C-T.
Other names: c.1429+1G>A (NM_001159575.2); c.1537+1G>A (NM_001159576.2).
Identifiers: ClinVar variation 5005148 (VCV005005148.2).